The following is an entry in ClinVar:

NM_003334.4(UBA1):c.106G>A (p.Val36Met)

Genes: UBA1 (ubiquitin like modifier activating enzyme 1; plus strand), LOC126863253 (CDK7 strongly-dependent group 2 enhancer GRCh37_chrX:47057593-47058792; plus strand). Cytogenetic location: Xp11.3.
Variant type: single nucleotide variant.
Coding change: c.106G>A on transcript NM_003334.4 (MANE Select); coding-DNA position 106, G replaced by A.
Protein change: p.Val36Met; replaces valine 36 with methionine.
Molecular consequence: missense variant.
Genome position (GRCh38, 1-based): chrX:47,198,908, G>A. VCF-style: chrX-47198908-G-A. GRCh37 (hg19) VCF-style: chrX-47058307-G-A.
Other names: c.106G>A, p.Val36Met (NM_153280.3); short protein forms V36M.
Identifiers: ClinVar variation 640059 (VCV000640059.9), dbSNP rs990805894, ClinGen allele CA329032620.

ClinVar aggregate classification (germline): Uncertain significance (1 of 4 stars; one submission).

Conditions:
Infantile-onset X-linked spinal muscular atrophy. Also called: SPINAL MUSCULAR ATROPHY, X-LINKED LETHAL INFANTILE; AMC, DISTAL, X-LINKED; ARTHROGRYPOSIS, X-LINKED, TYPE I; Spinal muscular atrophy, X-linked 2; Spinal Muscular Atrophy, X-Linked Infantile. Identifiers: Orphanet 1145, MedGen C1844934, MONDO:0010532, OMIM 301830.

Allele frequency attached by ClinVar (database versions not stated): gnomAD exomes below 0.00001.

Submission:

Labcorp Genetics (formerly Invitae), Labcorp
Classification: Uncertain significance for Infantile-onset X-linked spinal muscular atrophy. Last evaluated: 2018-11-07. Review status: criteria provided, single submitter. Criteria: Invitae Variant Classification Sherloc (09022015). Collection method: clinical testing. Allele origin: germline.
Comment: In summary, the available evidence is currently insufficient to determine the role of this variant in disease. Therefore, it has been classified as a Variant of Uncertain Significance. Algorithms developed to predict the effect of missense changes on protein structure and function (SIFT, PolyPhen-2, Align-GVGD) all suggest that this variant is likely to be tolerated, but these predictions have not been confirmed by published functional studies and their clinical significance is uncertain. This variant has not been reported in the literature in individuals with UBA1-related disease. This variant is not present in population databases (ExAC no frequency). This sequence change replaces valine with methionine at codon 36 of the UBA1 protein (p.Val36Met). The valine residue is weakly conserved and there is a small physicochemical difference between valine and methionine.